The following is an entry in ClinVar:

ClinVar aggregate classification (germline): Likely benign (1 of 4 stars; one submission).

gnomAD v4.1: 1 of 1,614,168 alleles (0.000062%); highest among the groups gnomAD compares: African/African-American, 0.0013%; no homozygotes.

Submission:

CeGaT Center for Human Genetics Tuebingen
Classification: Likely benign. Last evaluated: 2025-02-01. Review status: criteria provided, single submitter. Criteria: CeGaT Center For Human Genetics Tuebingen Variant Classification Criteria Version 2. Collection method: clinical testing. Allele origin: germline. Affected: yes. Observed: 1 variant allele.
Comment: CAMTA1: BP4, BP7

NM_015215.4(CAMTA1):c.1281C>T (p.Ala427=)

Gene: CAMTA1 (calmodulin binding transcription activator 1; plus strand). Cytogenetic location: 1p36.23.
Variant type: single nucleotide variant.
Coding change: c.1281C>T on transcript NM_015215.4 (MANE Select); coding-DNA position 1281, C replaced by T.
Protein change: p.Ala427=; no amino-acid change (alanine 427 retained).
Molecular consequence: synonymous variant.
Genome position (GRCh38, 1-based): chr1:7,663,828, C>T. VCF-style: chr1-7663828-C-T. GRCh37 (hg19) VCF-style: chr1-7723888-C-T.
Other names: c.1191C>T, p.Ala397= (NM_001349608.2, NM_001349612.2); c.1281C>T, p.Ala427= (NM_001349609.2, NM_001349610.2, NM_001410737.1); c.1209C>T, p.Ala403= (NM_001410738.1).
Identifiers: ClinVar variation 3772562 (VCV003772562.13).
Genomic context (GRCh38, chr1:7,663,828, plus strand): 5'-GGCCGTGTACACCATGTCCCCCACCGCTGGCCCCAACCACCACCTCCTCTCACCTGACGC[C>T]TCTCAGGGCCTCGTCCTGGCCGTGAGCTCTGATGGCCACAAGTTCGCCTTTCCCACCACG-3'
Protein context (NP_056030.1, residues 417-437): GPNHHLLSPD[Ala427=]SQGLVLAVSS